The following is an entry in ClinVar:

ClinVar aggregate classification (germline): Uncertain significance. Review status: criteria provided, multiple submitters, no conflicts (2 of 4 stars). 2 submissions from 2 submitters: Uncertain significance (2). Last evaluated 2025-10-01.

Allele frequency attached by ClinVar (database versions not stated): gnomAD 0.00002; gnomAD exomes 0.00002 and 0.00004; TOPMed 0.00002; ExAC 0.00003.
gnomAD v4.1: 37 of 1,614,032 alleles (0.0023%); highest among the groups gnomAD compares: Middle Eastern, 0.016%; no homozygotes.

Submissions (2):

Labcorp Genetics (formerly Invitae), Labcorp
Classification: Uncertain significance. Last evaluated: 2025-10-01. Review status: criteria provided, single submitter. Criteria: Invitae Variant Classification Sherloc (09022015). Collection method: clinical testing. Allele origin: germline.
Comment: This sequence change replaces proline, which is neutral and non-polar, with threonine, which is neutral and polar, at codon 44 of the ABCG8 protein (p.Pro44Thr). This variant is present in population databases (rs770421664, gnomAD 0.02%). This variant has not been reported in the literature in individuals affected with ABCG8-related conditions. ClinVar contains an entry for this variant (Variation ID: 596053). Invitae Evidence Modeling of protein sequence and biophysical properties (such as structural, functional, and spatial information, amino acid conservation, physicochemical variation, residue mobility, and thermodynamic stability) indicates that this missense variant is not expected to disrupt ABCG8 protein function with a negative predictive value of 80%. In summary, the available evidence is currently insufficient to determine the role of this variant in disease. Therefore, it has been classified as a Variant of Uncertain Significance.

Eurofins Ntd Llc (ga)
Classification: Uncertain significance. Last evaluated: 2018-02-08. Review status: criteria provided, single submitter. Criteria: EGL Classification Definitions 2015. Collection method: clinical testing. Allele origin: germline. Observed: 1 variant allele, 1 heterozygote.

NM_022437.3(ABCG8):c.130C>A (p.Pro44Thr)

Gene: ABCG8 (ATP binding cassette subfamily G member 8; plus strand). Cytogenetic location: 2p21.
Variant type: single nucleotide variant.
Coding change: c.130C>A on transcript NM_022437.3 (MANE Select); coding-DNA position 130, C replaced by A.
Protein change: p.Pro44Thr; replaces proline 44 with threonine.
Molecular consequence: missense variant.
Genome position (GRCh38, 1-based): chr2:43,844,573, C>A. VCF-style: chr2-43844573-C-A. GRCh37 (hg19) VCF-style: chr2-44071712-C-A.
Other names: c.130C>A, p.Pro44Thr (NM_001357321.2); short protein forms P44T.
Identifiers: ClinVar variation 596053 (VCV000596053.6), dbSNP rs770421664, ClinGen allele CA1636895.